The following is an entry in ClinVar:

NM_000179.3(MSH6):c.1841C>T (p.Ser614Phe)

Gene: MSH6 (mutS homolog 6; plus strand). Cytogenetic location: 2p16.3.
Variant type: single nucleotide variant.
Coding change: c.1841C>T on transcript NM_000179.3 (MANE Select); coding-DNA position 1841, C replaced by T.
Protein change: p.Ser614Phe; replaces serine 614 with phenylalanine.
Molecular consequence: missense variant.
Genome position (GRCh38, 1-based): chr2:47,799,824, C>T. VCF-style: chr2-47799824-C-T. GRCh37 (hg19) VCF-style: chr2-48026963-C-T.
Other names: c.1451C>T, p.Ser484Phe (NM_001281492.2); c.935C>T, p.Ser312Phe (NM_001281493.2, NM_001281494.2); short protein forms S484F, S312F, S614F.
Identifiers: ClinVar variation 836247 (VCV000836247.11), dbSNP rs1669381714, ClinGen allele CA346749619.

ClinVar aggregate classification (germline): Uncertain significance. Review status: criteria provided, multiple submitters, no conflicts (2 of 4 stars). 2 submissions from 2 submitters: Uncertain significance (2). Last evaluated 2024-07-10.

Conditions:
Hereditary nonpolyposis colorectal neoplasms. Identifiers: MedGen C0009405, MeSH D003123.
Hereditary cancer-predisposing syndrome. Also called: Hereditary neoplastic syndrome; Neoplastic Syndromes, Hereditary; Tumor predisposition; Hereditary Cancer Syndrome. Identifiers: Orphanet 140162, MedGen C0027672, MeSH D009386, MONDO:0015356.

Submissions (2):

Ambry Genetics
Classification: Uncertain significance for Hereditary cancer-predisposing syndrome. Last evaluated: 2024-07-10. Review status: criteria provided, single submitter. Criteria: Ambry Variant Classification Scheme 2023. Collection method: clinical testing. Allele origin: germline.
Comment: The p.S614F variant (also known as c.1841C>T), located in coding exon 4 of the MSH6 gene, results from a C to T substitution at nucleotide position 1841. The serine at codon 614 is replaced by phenylalanine, an amino acid with highly dissimilar properties. This amino acid position is not well conserved in available vertebrate species. In addition, the in silico prediction for this alteration is inconclusive. Based on the available evidence, the clinical significance of this variant remains unclear.

Labcorp Genetics (formerly Invitae), Labcorp
Classification: Uncertain significance for Hereditary nonpolyposis colorectal neoplasms. Last evaluated: 2021-09-07. Review status: criteria provided, single submitter. Criteria: Invitae Variant Classification Sherloc (09022015). Collection method: clinical testing. Allele origin: germline.
Comment: In summary, the available evidence is currently insufficient to determine the role of this variant in disease. Therefore, it has been classified as a Variant of Uncertain Significance. This variant has not been reported in the literature in individuals affected with MSH6-related conditions. Algorithms developed to predict the effect of missense changes on protein structure and function are either unavailable or do not agree on the potential impact of this missense change (SIFT: "Tolerated"; PolyPhen-2: "Probably Damaging"; Align-GVGD: "Class C0"). This variant is not present in population databases (ExAC no frequency). This sequence change replaces serine with phenylalanine at codon 614 of the MSH6 protein (p.Ser614Phe). The serine residue is moderately conserved and there is a large physicochemical difference between serine and phenylalanine.